The following is an entry in ClinVar:

ClinVar aggregate classification (germline): Benign/Likely benign. Review status: criteria provided, multiple submitters, no conflicts (2 of 4 stars). 2 submissions from 2 submitters: Benign (1); Likely benign (1). Last evaluated 2025-02-04.

Conditions:
Hereditary cancer-predisposing syndrome. Also called: Hereditary Cancer Syndrome; Hereditary neoplastic syndrome; Tumor predisposition; Neoplastic Syndromes, Hereditary. Identifiers: Orphanet 140162, MedGen C0027672, MeSH D009386, MONDO:0015356.
Lynch syndrome 4 (LYNCH4). Also called: Colorectal cancer, hereditary nonpolyposis, type 4; Hereditary non-polyposis colorectal cancer, type 4. Identifiers: Orphanet 144, MedGen C1838333, MONDO:0013699, OMIM 614337. Disease mechanism: loss of function.

Submissions (2):

Myriad Genetics, Inc.
Classification: Benign for Lynch syndrome 4. Last evaluated: 2025-02-04. Review status: criteria provided, single submitter. Criteria: Myriad Autosomal Dominant, Autosomal Recessive and X-Linked Classification Criteria (2023). Collection method: clinical testing. Allele origin: unknown.
Comment: This variant is considered benign. This variant is a silent/synonymous amino acid change and it is not expected to impact splicing.

Ambry Genetics
Classification: Likely benign for Hereditary cancer-predisposing syndrome. Last evaluated: 2021-01-20. Review status: criteria provided, single submitter. Criteria: Ambry Variant Classification Scheme 2023. Collection method: clinical testing. Allele origin: germline.

NM_000535.7(PMS2):c.2304T>A (p.Ile768=)

Gene: PMS2 (PMS1 homolog 2, mismatch repair system component; minus strand). Cytogenetic location: 7p22.1.
Variant type: single nucleotide variant.
Coding change: c.2304T>A on transcript NM_000535.7 (MANE Select); coding-DNA position 2304, T replaced by A.
Protein change: p.Ile768=; no amino-acid change (isoleucine 768 retained).
Molecular consequence: synonymous variant. On other transcripts: intron variant (2).
Genome position (GRCh38, 1-based): chr7:5,977,729, A>T on the plus strand (T>A on the coding strand, the complement: PMS2 is on the minus strand). VCF-style: chr7-5977729-A-T. GRCh37 (hg19) VCF-style: chr7-6017360-A-T.
Other names: c.1899T>A, p.Ile633= (NM_001018040.1, NM_001322003.2, NM_001322004.2 and 12 more transcripts); c.2148T>A, p.Ile716= (NM_001322006.2); c.1986T>A, p.Ile662= (NM_001322007.2, NM_001322008.2, NM_001406883.1); c.1932T>A, p.Ile644= (NM_001322009.2, NM_001406887.1, NM_001406888.1); c.1743T>A, p.Ile581= (NM_001322010.2, NM_001406906.1, NM_001406907.1); c.1371T>A, p.Ile457= (NM_001322011.2, NM_001322012.2); c.1731T>A, p.Ile577= (NM_001322013.2, NM_001406908.1, NM_001406909.1); c.2337T>A, p.Ile779= (NM_001322014.2); and 20 more.
Identifiers: ClinVar variation 1789343 (VCV001789343.3), dbSNP rs2128675400, ClinGen allele CA453642470.